The following is an entry in ClinVar:

ClinVar aggregate classification (germline): Likely pathogenic (0 of 4 stars; one submission).

Conditions:
Autoinflammatory syndrome, familial, Behcet-like 1 (AIFBL1). Also called: Haploinsufficiency of A20. Identifiers: Orphanet 674762, MedGen C4225218, MONDO:0800045, OMIM 616744.

Submission:

Pediatrics, The Third Affiliated Hospital of Sun Yat-sen University
Classification: Likely pathogenic for Autoinflammatory syndrome, familial, Behcet-like 1. Review status: no assertion criteria provided. Collection method: clinical testing. Allele origin: inherited. Affected: yes.
Comment: This variant causes a frameshift mutation in the amino acid at position 218 (leucine to tryptophan substitution), followed by a frameshift affecting the next 9 amino acids. This results in out-of-frame transcripts and premature stop codons, potentially leading to protein truncation or activation of nonsense-mediated mRNA decay (NMD), thereby causing loss of function of the TNFAIP3 gene product. The variant is absent from population databases (gnomAD frequency not reported). Downstream truncating variants of this type have been classified as pathogenic (PubMed: 29241730, 28960754, 31384100, 27845235), consistent with PVS1 criterion.

Literature cited by the submitters: PubMed 29241730; PubMed 28960754; PubMed 31384100; PubMed 27845235.

NM_001270508.2(TNFAIP3):c.653del (p.Leu218fs)

Genes: TNFAIP3 (TNF alpha induced protein 3; plus strand), LOC126859807 (MED14-independent group 3 enhancer GRCh37_chr6:138196296-138197495; plus strand). Cytogenetic location: 6q23.3.
Variant type: Deletion.
Coding change: c.653del on transcript NM_001270508.2 (MANE Select); coding-DNA position 653, one base deleted (T; older notation c.653delT).
Protein change: p.Leu218fs; shifts the reading frame from leucine 218.
Molecular consequence: frameshift variant.
Genome position (GRCh38, 1-based): chr6:137,876,014, T deleted; the last of 3 consecutive T bases (chr6:137,876,012-137,876,014); deleting any one gives the same sequence. VCF-style (leftmost placement, unchanged base first): chr6-137876011-GT-G. GRCh37 (hg19) VCF-style: chr6-138197148-GT-G.
Other names: c.653del, p.Leu218fs (NM_001270507.2, NM_006290.4); short protein forms L218fs.
Identifiers: ClinVar variation 3893196 (VCV003893196.1).